The following is an entry in ClinVar:

ClinVar aggregate classification (germline): Uncertain significance. Review status: criteria provided, multiple submitters, no conflicts (2 of 4 stars). 2 submissions from 2 submitters: Uncertain significance (2). Last evaluated 2024-11-11.

Conditions:
Inborn genetic diseases. Identifiers: MedGen C0950123, MeSH D030342.
Fanconi anemia (FA). Also called: Fanconi's anemia. Identifiers: Orphanet 84, MedGen C0015625, MeSH D005199, MONDO:0019391.

gnomAD v4.1: 1 of 1,614,132 alleles (0.000062%); highest among the groups gnomAD compares: Non-Finnish European, 0.000085%; no homozygotes.

Submissions (2):

Ambry Genetics
Classification: Uncertain significance for Inborn genetic diseases. Last evaluated: 2024-11-11. Review status: criteria provided, single submitter. Criteria: Ambry Variant Classification Scheme 2023. Collection method: clinical testing. Allele origin: germline.

Labcorp Genetics (formerly Invitae), Labcorp
Classification: Uncertain significance for Fanconi anemia. Last evaluated: 2024-04-11. Review status: criteria provided, single submitter. Criteria: Invitae Variant Classification Sherloc (09022015). Collection method: clinical testing. Allele origin: germline.
Comment: This sequence change replaces proline, which is neutral and non-polar, with threonine, which is neutral and polar, at codon 1208 of the SLX4 protein (p.Pro1208Thr). This variant is not present in population databases (gnomAD no frequency). This variant has not been reported in the literature in individuals affected with SLX4-related conditions. An algorithm developed to predict the effect of missense changes on protein structure and function (PolyPhen-2) suggests that this variant is likely to be tolerated. In summary, the available evidence is currently insufficient to determine the role of this variant in disease. Therefore, it has been classified as a Variant of Uncertain Significance.

NM_032444.4(SLX4):c.3622C>A (p.Pro1208Thr)

Gene: SLX4 (SLX4 structure-specific endonuclease subunit; minus strand). Cytogenetic location: 16p13.3.
Variant type: single nucleotide variant.
Coding change: c.3622C>A on transcript NM_032444.4 (MANE Select); coding-DNA position 3622, C replaced by A.
Protein change: p.Pro1208Thr; replaces proline 1208 with threonine.
Molecular consequence: missense variant.
Genome position (GRCh38, 1-based): chr16:3,590,016, G>T on the plus strand (C>A on the coding strand, the complement: SLX4 is on the minus strand). VCF-style: chr16-3590016-G-T. GRCh37 (hg19) VCF-style: chr16-3640017-G-T.
Other names: short protein forms P1208T.
Identifiers: ClinVar variation 3445766 (VCV003445766.3).